The following is an entry in ClinVar:

ClinVar aggregate classification (germline): Uncertain significance. Review status: criteria provided, multiple submitters, no conflicts (2 of 4 stars). 3 submissions from 3 submitters: Uncertain significance (3). Last evaluated 2024-11-17.

Conditions:
Euthyroid goiter (MNG1). Also called: Goiter, multinodular 1, with or without Sertoli-Leydig cell tumors; GOITER, NONTOXIC, WITH INTRATHYROIDAL CALCIFICATION; MULTINODULAR GOITER, ADOLESCENT; SIMPLE GOITER. Identifiers: Orphanet 276399, MedGen C0302859, MONDO:0007681, OMIM 138800, HP:0009798.
Global developmental delay - lung cysts - overgrowth - Wilms tumor syndrome. Also called: GLOBAL DEVELOPMENTAL DELAY, LUNG CYSTS, OVERGROWTH, AND WILMS TUMOR; GLOW Syndrome. Identifiers: Orphanet 404476, MedGen C4748924, MONDO:0018445, OMIM 618272.
Rhabdomyosarcoma, embryonal, 2 (RMSE2). Identifiers: MedGen C1867234, MONDO:0859046, OMIM 180295.
Pleuropulmonary blastoma (PPB). Identifiers: Orphanet 64742, MedGen C1266144, MONDO:0011014, OMIM 601200, HP:0100528.
DICER1-related tumor predisposition. Also called: DICER1-related pleuropulmonary blastoma cancer predisposition syndrome; DICER1 syndrome. Identifiers: Orphanet 284343, MedGen C3839822, MONDO:0100216.
Hereditary cancer-predisposing syndrome. Also called: Neoplastic Syndromes, Hereditary; Hereditary Cancer Syndrome; Hereditary neoplastic syndrome; Tumor predisposition. Identifiers: Orphanet 140162, MedGen C0027672, MeSH D009386, MONDO:0015356.

Allele frequency attached by ClinVar (database versions not stated): gnomAD exomes below 0.00001.
gnomAD v4.1: 1 of 1,614,084 alleles (0.000062%); highest among the groups gnomAD compares: African/African-American, 0.0013%; no homozygotes.

Submissions (3):

Labcorp Genetics (formerly Invitae), Labcorp
Classification: Uncertain significance for DICER1-related tumor predisposition. Last evaluated: 2024-11-17. Review status: criteria provided, single submitter. Criteria: Invitae Variant Classification Sherloc (09022015). Collection method: clinical testing. Allele origin: germline.
Comment: This sequence change replaces lysine, which is basic and polar, with arginine, which is basic and polar, at codon 1362 of the DICER1 protein (p.Lys1362Arg). This variant is not present in population databases (gnomAD no frequency). This variant has not been reported in the literature in individuals affected with DICER1-related conditions. ClinVar contains an entry for this variant (Variation ID: 824577). Invitae Evidence Modeling of protein sequence and biophysical properties (such as structural, functional, and spatial information, amino acid conservation, physicochemical variation, residue mobility, and thermodynamic stability) indicates that this missense variant is not expected to disrupt DICER1 protein function with a negative predictive value of 95%. In summary, the available evidence is currently insufficient to determine the role of this variant in disease. Therefore, it has been classified as a Variant of Uncertain Significance.

Fulgent Genetics
Classification: Uncertain significance for Euthyroid goiter; Rhabdomyosarcoma, embryonal, 2; Pleuropulmonary blastoma; Global developmental delay - lung cysts - overgrowth - Wilms tumor syndrome. Last evaluated: 2024-01-22. Review status: criteria provided, single submitter. Criteria: ACMG Guidelines, 2015. Collection method: clinical testing. Allele origin: germline.

Ambry Genetics
Classification: Uncertain significance for Hereditary cancer-predisposing syndrome. Last evaluated: 2023-08-02. Review status: criteria provided, single submitter. Criteria: Ambry Variant Classification Scheme 2023. Collection method: clinical testing. Allele origin: germline.
Comment: The p.K1362R variant (also known as c.4085A>G), located in coding exon 21 of the DICER1 gene, results from an A to G substitution at nucleotide position 4085. The lysine at codon 1362 is replaced by arginine, an amino acid with highly similar properties. This amino acid position is highly conserved in available vertebrate species. In addition, the in silico prediction for this alteration is inconclusive. Since supporting evidence is limited at this time, the clinical significance of this alteration remains unclear.

NM_177438.3(DICER1):c.4085A>G (p.Lys1362Arg)

Gene: DICER1 (dicer 1, ribonuclease III; minus strand). Cytogenetic location: 14q32.13.
Variant type: single nucleotide variant.
Coding change: c.4085A>G on transcript NM_177438.3 (MANE Select); coding-DNA position 4085, A replaced by G.
Protein change: p.Lys1362Arg; replaces lysine 1362 with arginine.
Molecular consequence: missense variant.
Genome position (GRCh38, 1-based): chr14:95,099,901, T>C on the plus strand (A>G on the coding strand, the complement: DICER1 is on the minus strand). VCF-style: chr14-95099901-T-C. GRCh37 (hg19) VCF-style: chr14-95566238-T-C.
Other names: c.4085A>G, p.Lys1362Arg (NM_001195573.1, NM_001271282.3, NM_001291628.2 and 1 more transcripts); short protein forms K1362R.
Identifiers: ClinVar variation 824577 (VCV000824577.16), dbSNP rs1595353726, ClinGen allele CA390872206.
Genomic context (GRCh38, chr14:95,099,901, plus strand): 5'-GGAAGCCAATTCACAGGGGGATCAAATATTGACACCACCATGCGGCTGGGTAGTCCCTTC[T>C]TTTTTCCAAGGCGATACAGATTACAGTTGCTGACCTTTAGCAGAAAATATTAGGATACTT-3'
Protein context (NP_803187.1, residues 1352-1372): SNCNLYRLGK[Lys1362Arg]KGLPSRMVVS